The following is an entry in ClinVar:

ClinVar aggregate classification (germline): Uncertain significance. Review status: criteria provided, multiple submitters, no conflicts (2 of 4 stars). 2 submissions from 2 submitters: Uncertain significance (2). Last evaluated 2022-08-22.

Conditions:
Neuroblastoma, susceptibility to, 3. Also called: ALK-Related Neuroblastic Tumor Susceptibility. Identifiers: Orphanet 635, MedGen C2751681, MONDO:0013083, OMIM 613014.
Hereditary cancer-predisposing syndrome. Also called: Neoplastic Syndromes, Hereditary; Tumor predisposition; Hereditary neoplastic syndrome; Hereditary Cancer Syndrome. Identifiers: Orphanet 140162, MedGen C0027672, MeSH D009386, MONDO:0015356.

Submissions (2):

Ambry Genetics
Classification: Uncertain significance for Hereditary cancer-predisposing syndrome. Last evaluated: 2022-08-22. Review status: criteria provided, single submitter. Criteria: Ambry Variant Classification Scheme 2023. Collection method: clinical testing. Allele origin: germline.
Comment: The p.V417A variant (also known as c.1250T>C), located in coding exon 5 of the ALK gene, results from a T to C substitution at nucleotide position 1250. The valine at codon 417 is replaced by alanine, an amino acid with similar properties. This amino acid position is conserved. In addition, this alteration is predicted to be tolerated by in silico analysis. Since supporting evidence is limited at this time, the clinical significance of this alteration remains unclear.

Labcorp Genetics (formerly Invitae), Labcorp
Classification: Uncertain significance for Neuroblastoma, susceptibility to, 3. Last evaluated: 2021-11-16. Review status: criteria provided, single submitter. Criteria: Invitae Variant Classification Sherloc (09022015). Collection method: clinical testing. Allele origin: germline.
Comment: This variant has not been reported in the literature in individuals affected with ALK-related conditions. Algorithms developed to predict the effect of missense changes on protein structure and function are either unavailable or do not agree on the potential impact of this missense change (SIFT: "Deleterious"; PolyPhen-2: "Possibly Damaging"; Align-GVGD: "Class C0"). In summary, the available evidence is currently insufficient to determine the role of this variant in disease. Therefore, it has been classified as a Variant of Uncertain Significance. This variant is not present in population databases (gnomAD no frequency). This sequence change replaces valine, which is neutral and non-polar, with alanine, which is neutral and non-polar, at codon 417 of the ALK protein (p.Val417Ala).

NM_004304.5(ALK):c.1250T>C (p.Val417Ala)

Gene: ALK (ALK receptor tyrosine kinase; minus strand). Cytogenetic location: 2p23.2.
Variant type: single nucleotide variant.
Coding change: c.1250T>C on transcript NM_004304.5 (MANE Select); coding-DNA position 1250, T replaced by C.
Protein change: p.Val417Ala; replaces valine 417 with alanine.
Molecular consequence: missense variant.
Genome position (GRCh38, 1-based): chr2:29,383,764, A>G on the plus strand (T>C on the coding strand, the complement: ALK is on the minus strand). VCF-style: chr2-29383764-A-G. GRCh37 (hg19) VCF-style: chr2-29606630-A-G.
Other names: short protein forms V417A.
Identifiers: ClinVar variation 1489268 (VCV001489268.8), dbSNP rs2148301479, ClinGen allele CA346585142.